The following is an entry in ClinVar:

NM_001005242.3(PKP2):c.1379-2107C>A

Gene: PKP2 (plakophilin 2; minus strand). Cytogenetic location: 12p11.21.
Variant type: single nucleotide variant.
Coding change: c.1379-2107C>A on transcript NM_001005242.3 (MANE Select); 2107 bases into the intron before coding-DNA position 1379, C replaced by A.
Molecular consequence: intron variant. On other transcripts: missense variant (1).
Genome position (GRCh38, 1-based): chr12:32,843,312, G>T on the plus strand (C>A on the coding strand, the complement: PKP2 is on the minus strand). VCF-style: chr12-32843312-G-T. GRCh37 (hg19) VCF-style: chr12-32996246-G-T.
Other names: c.1380C>A, p.Asp460Glu (NM_004572.4); short protein forms D460E.
Identifiers: ClinVar variation 921991 (VCV000921991.3), dbSNP rs751862142, ClinGen allele CA384368864.

ClinVar aggregate classification (germline): Uncertain significance (1 of 4 stars; one submission).

Conditions:
Cardiomyopathy (CMYO). Also called: Cardiomyopathies. Identifiers: Orphanet 167848, MedGen C0878544, MONDO:0004994, HP:0001638. Inheritance: Various modes of inheritance.

gnomAD v4.1: 1 of 1,364,996 alleles (0.000073%); highest among the groups gnomAD compares: South Asian, 0.0011%; no homozygotes.

Submission:

Color Diagnostics, LLC DBA Color Health
Classification: Uncertain significance for Cardiomyopathy. Last evaluated: 2019-12-29. Review status: criteria provided, single submitter. Criteria: ACMG Guidelines, 2015. Collection method: clinical testing. Allele origin: germline.
Comment: This missense variant replaces aspartic acid with glutamic acid at codon 460 of the PKP2 protein. Computational prediction suggests that this variant may not impact protein structure and function (internally defined REVEL score threshold <= 0.5, PMID: 27666373). Splice site prediction tools suggest that this variant may not impact RNA splicing. To our knowledge, functional studies have not been performed for this variant. This variant has not been reported in individuals affected with cardiovascular disorders in the literature. This variant has not been identified in the general population by the Genome Aggregation Database (gnomAD). The available evidence is insufficient to determine the role of this variant in disease conclusively. Therefore, this variant is classified as a Variant of Uncertain Significance.